The following is an entry in ClinVar:

NM_000127.3(EXT1):c.598_669del (p.Trp200_Thr223del)

Gene: EXT1 (exostosin glycosyltransferase 1; minus strand). Cytogenetic location: 8q24.11.
Variant type: Deletion.
Coding change: c.598_669del on transcript NM_000127.3 (MANE Select); coding-DNA positions 598 to 669, 72 bases deleted.
Protein change: p.Trp200_Thr223del.
Molecular consequence: inframe deletion.
Genome position (GRCh38, 1-based): chr8:118,110,378-118,110,449, 72 bases deleted. GRCh37 (hg19): chr8:119,122,620-119,122,691.
Other names: c.598_669delTGGCCTGACTACACCGAGGACGTGGGGTTTGACATCGGCCAGGCGATGCTGGCCAAAGCCAGCATCAGTACT (NM_000127.2).
Identifiers: ClinVar variation 456064 (VCV000456064.7), dbSNP rs1554601502, ClinGen allele CA658657823.

ClinVar aggregate classification (germline): Pathogenic (1 of 4 stars; one submission).

Conditions:
Multiple congenital exostosis (EXT). Also called: MULTIPLE CARTILAGINOUS EXOSTOSES; Hereditary multiple osteochondromas; Multiple exostoses; Hereditary multiple exostoses; Hereditary multiple exostosis; Multiple osteochondromas. Identifiers: Orphanet 321, MedGen C0015306, MONDO:0005508, HP:0002762.

Submission:

Labcorp Genetics (formerly Invitae), Labcorp
Classification: Pathogenic for Multiple congenital exostosis. Last evaluated: 2017-07-14. Review status: criteria provided, single submitter. Criteria: Invitae Variant Classification Sherloc (09022015). Collection method: clinical testing. Allele origin: germline.
Comment: For these reasons, this variant has been classified as Pathogenic. This variant has not been reported in the literature in individuals with EXT1-related disease. However, smaller in-frame deletions (c.644_664del and c.653_661del) have been reported in individuals affected with multiple osteochondromas (PMID: 19810120). This suggests that deletion of this region of the EXT1 protein is causative of disease. This variant is not present in population databases (ExAC no frequency). This variant, c.598_669del, results in the deletion of 24 amino acids of the EXT1 protein (p.Trp200_Thr223del), but otherwise preserves the integrity of the reading frame.

Literature cited by the submitters: PubMed 19810120.